The following is an entry in ClinVar:

ClinVar aggregate classification (germline): Uncertain significance (1 of 4 stars; one submission).

Submission:

GeneDx
Classification: Uncertain significance. Last evaluated: 2024-08-19. Review status: criteria provided, single submitter. Criteria: GeneDx Variant Classification Process June 2021. Collection method: clinical testing. Allele origin: germline. Affected: yes.
Comment: Not observed at significant frequency in large population cohorts (gnomAD); In silico analysis indicates that this missense variant does not alter protein structure/function; Has not been previously published as pathogenic or benign to our knowledge

NM_002742.3(PRKD1):c.107C>A (p.Ala36Glu)

Gene: PRKD1 (protein kinase D1; minus strand). Cytogenetic location: 14q12.
Variant type: single nucleotide variant.
Coding change: c.107C>A on transcript NM_002742.3 (MANE Select); coding-DNA position 107, C replaced by A.
Protein change: p.Ala36Glu; replaces alanine 36 with glutamic acid.
Molecular consequence: missense variant.
Genome position (GRCh38, 1-based): chr14:29,927,406, G>T on the plus strand (C>A on the coding strand, the complement: PRKD1 is on the minus strand). VCF-style: chr14-29927406-G-T. GRCh37 (hg19) VCF-style: chr14-30396612-G-T.
Other names: c.107C>A, p.Ala36Glu (NM_001330069.2); short protein forms A36E.
Identifiers: ClinVar variation 3764291 (VCV003764291.1).